The following is an entry in ClinVar:

ClinVar aggregate classification (germline): Uncertain significance. Review status: criteria provided, multiple submitters, no conflicts (2 of 4 stars). 2 submissions from 2 submitters: Uncertain significance (2). Last evaluated 2024-11-25.

Conditions:
Inborn genetic diseases. Identifiers: MedGen C0950123, MeSH D030342.

gnomAD v4.1: 9 of 1,612,872 alleles (0.00056%); highest among the groups gnomAD compares: African/African-American, 0.0013%; no homozygotes.

Submissions (2):

Ambry Genetics
Classification: Uncertain significance for Inborn genetic diseases. Last evaluated: 2024-11-25. Review status: criteria provided, single submitter. Criteria: Ambry Variant Classification Scheme 2023. Collection method: clinical testing. Allele origin: germline.
Comment: The p.A83V variant (also known as c.248C>T), located in coding exon 2 of the ANKRD26 gene, results from a C to T substitution at nucleotide position 248. The alanine at codon 83 is replaced by valine, an amino acid with similar properties. This amino acid position is conserved. In addition, the in silico prediction for this alteration is inconclusive. Based on the available evidence, the clinical significance of this variant remains unclear.

GeneDx
Classification: Uncertain significance. Last evaluated: 2023-05-10. Review status: criteria provided, single submitter. Criteria: GeneDx Variant Classification Process June 2021. Collection method: clinical testing. Allele origin: germline. Affected: yes.
Comment: Not observed at significant frequency in large population cohorts (gnomAD); In silico analysis supports that this missense variant does not alter protein structure/function; Has not been previously published as pathogenic or benign to our knowledge

NM_014915.3(ANKRD26):c.248C>T (p.Ala83Val)

Gene: ANKRD26 (ankyrin repeat domain containing 26; minus strand). Cytogenetic location: 10p12.1.
Variant type: single nucleotide variant.
Coding change: c.248C>T on transcript NM_014915.3 (MANE Select); coding-DNA position 248, C replaced by T.
Protein change: p.Ala83Val; replaces alanine 83 with valine.
Molecular consequence: missense variant.
Genome position (GRCh38, 1-based): chr10:27,093,794, G>A on the plus strand (C>T on the coding strand, the complement: ANKRD26 is on the minus strand). VCF-style: chr10-27093794-G-A. GRCh37 (hg19) VCF-style: chr10-27382723-G-A.
Other names: c.248C>T, p.Ala83Val (NM_001256053.2); short protein forms A83V.
Identifiers: ClinVar variation 3343468 (VCV003343468.2).
Genomic context (GRCh38, chr10:27,093,794, plus strand): 5'-TTTCTGTCCACCAGGAGAGTTACTACTTCTGGATGACCATTGGCACAGGCCAAATGTAGA[G>A]CCGTCCTATGAGAGTGACAGGACTTTTTATAAACTGTAGTGCACTGTCTCAAAACATACA-3'
Protein context (NP_055730.2, residues 73-93): LNDRDKMNRT[Ala83Val]LHLACANGHP